The following is an entry in ClinVar:

NM_000474.4(TWIST1):c.343G>A (p.Val115Met)

Gene: TWIST1 (twist family bHLH transcription factor 1; minus strand). Cytogenetic location: 7p21.1.
Variant type: single nucleotide variant.
Coding change: c.343G>A on transcript NM_000474.4 (MANE Select); coding-DNA position 343, G replaced by A.
Protein change: p.Val115Met; replaces valine 115 with methionine.
Molecular consequence: missense variant. On other transcripts: non-coding transcript variant (1).
Genome position (GRCh38, 1-based): chr7:19,116,979, C>T on the plus strand (G>A on the coding strand, the complement: TWIST1 is on the minus strand). VCF-style: chr7-19116979-C-T. GRCh37 (hg19) VCF-style: chr7-19156602-C-T.
Other names: short protein forms V115M.
Identifiers: ClinVar variation 3252981 (VCV003252981.1), dbSNP rs1487469592.

ClinVar aggregate classification (germline): Uncertain significance (1 of 4 stars; one submission).

Submission:

GeneDx
Classification: Uncertain significance. Last evaluated: 2023-06-18. Review status: criteria provided, single submitter. Criteria: GeneDx Variant Classification Process June 2021. Collection method: clinical testing. Allele origin: germline. Affected: yes.
Comment: Not observed at significant frequency in large population cohorts (gnomAD); In silico analysis supports that this missense variant has a deleterious effect on protein structure/function; Has not been previously published as pathogenic or benign to our knowledge